The following is an entry in ClinVar:

NM_015158.5(KANK1):c.226C>T (p.Pro76Ser)

Gene: KANK1 (KN motif and ankyrin repeat domains 1; plus strand). Cytogenetic location: 9p24.3.
Variant type: single nucleotide variant.
Coding change: c.226C>T on transcript NM_015158.5 (MANE Select); coding-DNA position 226, C replaced by T.
Protein change: p.Pro76Ser; replaces proline 76 with serine.
Molecular consequence: missense variant. On other transcripts: 5 prime UTR variant (12), non-coding transcript variant (1).
Genome position (GRCh38, 1-based): chr9:710,992, C>T. VCF-style: chr9-710992-C-T. GRCh37 (hg19) VCF-style: chr9-710992-C-T.
Other names: c.226C>T, p.Pro76Ser (NM_001256876.3, NM_001256877.3, NM_001354331.2 and 2 more transcripts); c.-249C>T (NM_153186.6, NM_001354333.2, NM_001354335.2 and 9 more transcripts); c.226C>T (NM_015158.2); short protein forms P76S.
Identifiers: ClinVar variation 1398091 (VCV001398091.32), dbSNP rs767269190, ClinGen allele CA4959891.

ClinVar aggregate classification (germline): Conflicting classifications of pathogenicity. Review status: criteria provided, conflicting classifications (1 of 4 stars). 5 submissions from 5 submitters: Uncertain significance (2); Likely benign (3). Last evaluated 2025-10-11.

Conditions:
Cerebral palsy, spastic quadriplegic, 2 (CPSQ2). Identifiers: Orphanet 210141, MedGen C2752061, MONDO:0013033, OMIM 612900.

Allele frequency attached by ClinVar (database versions not stated): ExAC 0.00002; gnomAD exomes 0.00002 and 0.00004; TOPMed 0.00002; gnomAD 0.00003 and 0.00004.
gnomAD v4.1: 63 of 1,614,028 alleles (0.0039%); highest among the groups gnomAD compares: Non-Finnish European, 0.0053%; no homozygotes.

Submissions (5):

Labcorp Genetics (formerly Invitae), Labcorp
Classification: Uncertain significance. Last evaluated: 2025-10-11. Review status: criteria provided, single submitter. Criteria: Invitae Variant Classification Sherloc (09022015). Collection method: clinical testing. Allele origin: germline.
Comment: This sequence change replaces proline, which is neutral and non-polar, with serine, which is neutral and polar, at codon 76 of the KANK1 protein (p.Pro76Ser). This variant is present in population databases (rs767269190, gnomAD 0.008%). This variant has not been reported in the literature in individuals affected with KANK1-related conditions. ClinVar contains an entry for this variant (Variation ID: 1398091). An algorithm developed to predict the effect of missense changes on protein structure and function outputs the following: PolyPhen-2: "Benign". The serine amino acid residue is found in multiple mammalian species, which suggests that this missense change does not adversely affect protein function. In summary, the available evidence is currently insufficient to determine the role of this variant in disease. Therefore, it has been classified as a Variant of Uncertain Significance.

Blueprint Genetics
Classification: Likely benign. Last evaluated: 2024-11-05. Review status: criteria provided, single submitter. Criteria: ACMG Guidelines, 2015. Collection method: clinical testing. Allele origin: germline.

CeGaT Center for Human Genetics Tuebingen
Classification: Likely benign. Last evaluated: 2022-03-01. Review status: criteria provided, single submitter. Criteria: CeGaT Center For Human Genetics Tuebingen Variant Classification Criteria Version 2. Collection method: clinical testing. Allele origin: germline. Affected: yes. Observed: 1 variant allele.
Comment: KANK1: BP4

Ambry Genetics
Classification: Likely benign. Last evaluated: 2021-10-27. Review status: criteria provided, single submitter. Criteria: Ambry Variant Classification Scheme 2023. Collection method: clinical testing. Allele origin: germline.

Fulgent Genetics
Classification: Uncertain significance for Cerebral palsy, spastic quadriplegic, 2. Last evaluated: 2021-07-01. Review status: criteria provided, single submitter. Criteria: ACMG Guidelines, 2015. Collection method: clinical testing. Allele origin: unknown.